The following is an entry in ClinVar:

ClinVar aggregate classification (germline): Uncertain significance (1 of 4 stars; one submission).

Conditions:
Emery-Dreifuss muscular dystrophy 5, autosomal dominant (EDMD5). Also called: EMERY-DREIFUSS MUSCULAR DYSTROPHY 5. Identifiers: Orphanet 261, MedGen C2751805, MONDO:0013072, OMIM 612999.

Submission:

Laboratorio de Genetica e Diagnostico Molecular, Hospital Israelita Albert Einstein
Classification: Uncertain significance for Emery-Dreifuss muscular dystrophy 5, autosomal dominant. Last evaluated: 2025-09-02. Review status: criteria provided, single submitter. Criteria: ACMG Guidelines, 2015. Collection method: clinical testing. Allele origin: germline. Affected: yes.
Comment: ACMG classification criteria: PM2 supporting, PP3 supporting

NM_182914.3(SYNE2):c.11670+3A>C

Gene: SYNE2 (spectrin repeat containing nuclear envelope protein 2; plus strand). Cytogenetic location: 14q23.2.
Variant type: single nucleotide variant.
Coding change: c.11670+3A>C on transcript NM_182914.3 (MANE Select); 3 bases into the intron after coding-DNA position 11670, A replaced by C.
Molecular consequence: intron variant.
Genome position (GRCh38, 1-based): chr14:64,087,859, A>C. VCF-style: chr14-64087859-A-C. GRCh37 (hg19) VCF-style: chr14-64554577-A-C.
Other names: c.11670+3A>C (NM_015180.6).
Identifiers: ClinVar variation 4846946 (VCV004846946.1).